The following is an entry in ClinVar:

ClinVar aggregate classification (germline): Uncertain significance. Review status: criteria provided, multiple submitters, no conflicts (2 of 4 stars). 4 submissions from 4 submitters: Uncertain significance (4). Last evaluated 2025-07-03.

Conditions:
Multiple endocrine neoplasia, type 2 (MEN2). Identifiers: Orphanet 653, MedGen C4048306, MONDO:0019003. Disease mechanism: gain of function.
Multiple endocrine neoplasia type 2B. Also called: WAGENMANN-FROBOESE SYNDROME; MULTIPLE ENDOCRINE NEOPLASIA, TYPE III; MEN 2B; Multiple endocrine neoplasia, type 3; MULTIPLE ENDOCRINE NEOPLASIA, TYPE IIB; MEN IIB. Identifiers: Orphanet 247709, Orphanet 653, MedGen C0025269, MeSH D018814, MONDO:0008082, OMIM 162300.
Multiple endocrine neoplasia type 2A. Also called: MULTIPLE ENDOCRINE NEOPLASIA, TYPE IIA; PTC SYNDROME; SIPPLE SYNDROME; MEN 2A; MEN-2A syndrome; Pheochromocytoma and amyloid producing medullary thyroid carcinoma. Identifiers: Orphanet 247698, Orphanet 653, MedGen C0025268, MeSH D018813, MONDO:0008234, OMIM 171400.
Pheochromocytoma. Also called: MAX-Related Hereditary Paraganglioma-Pheochromocytoma Syndrome. Identifiers: Orphanet 29072, MedGen C0031511, MONDO:0008233, OMIM 171300, HP:0002666.
Familial medullary thyroid carcinoma (MTC). Also called: Thyroid cancer, familial medullary; MTC, familial; Familial Medullary Thyroid Carcinoma (FMTC). Identifiers: Orphanet 653, Orphanet 99361, MedGen C1833921, MONDO:0007958, OMIM 155240.
Hirschsprung disease, susceptibility to, 1 (HSCR1). Also called: RET-Related Hirschsprung Disease. Identifiers: Orphanet 388, MedGen C3888239, MONDO:0007723, OMIM 142623.
Hereditary cancer-predisposing syndrome. Also called: Hereditary neoplastic syndrome; Neoplastic Syndromes, Hereditary; Tumor predisposition; Hereditary Cancer Syndrome. Identifiers: Orphanet 140162, MedGen C0027672, MeSH D009386, MONDO:0015356.

Allele frequency attached by ClinVar (database versions not stated): gnomAD exomes below 0.00001.
gnomAD v4.1: 1 of 1,614,202 alleles (0.000062%); highest among the groups gnomAD compares: African/African-American, 0.0013%; no homozygotes.

Submissions (4):

Color Diagnostics, LLC DBA Color Health
Classification: Uncertain significance for Multiple endocrine neoplasia, type 2. Last evaluated: 2025-07-03. Review status: criteria provided, single submitter. Criteria: ACMG Guidelines, 2015. Collection method: clinical testing. Allele origin: germline.
Comment: This missense variant replaces proline with serine at codon 198 of the RET protein. Computational prediction suggests that this variant may not impact protein structure and function. To our knowledge, functional studies have not been reported for this variant. This variant has not been reported in individuals affected with RET-related disorders in the literature. This variant has not been identified in the general population by the Genome Aggregation Database (gnomAD). The available evidence is insufficient to determine the role of this variant in disease conclusively. Therefore, this variant is classified as a Variant of Uncertain Significance.

Labcorp Genetics (formerly Invitae), Labcorp
Classification: Uncertain significance for Multiple endocrine neoplasia, type 2. Last evaluated: 2025-05-05. Review status: criteria provided, single submitter. Criteria: Invitae Variant Classification Sherloc (09022015). Collection method: clinical testing. Allele origin: germline.
Comment: This sequence change replaces proline, which is neutral and non-polar, with serine, which is neutral and polar, at codon 198 of the RET protein (p.Pro198Ser). This variant is not present in population databases (gnomAD no frequency). This variant has not been reported in the literature in individuals affected with RET-related conditions. ClinVar contains an entry for this variant (Variation ID: 1481718). An algorithm developed to predict the effect of missense changes on protein structure and function (PolyPhen-2) suggests that this variant is likely to be tolerated. In summary, the available evidence is currently insufficient to determine the role of this variant in disease. Therefore, it has been classified as a Variant of Uncertain Significance.

Ambry Genetics
Classification: Uncertain significance for Hereditary cancer-predisposing syndrome. Last evaluated: 2024-06-13. Review status: criteria provided, single submitter. Criteria: Ambry Variant Classification Scheme 2023. Collection method: clinical testing. Allele origin: germline.
Comment: The p.P198S variant (also known as c.592C>T), located in coding exon 3 of the RET gene, results from a C to T substitution at nucleotide position 592. The proline at codon 198 is replaced by serine, an amino acid with similar properties. This amino acid position is highly conserved in available vertebrate species. In addition, this alteration is predicted to be tolerated by in silico analysis. Based on the available evidence, the clinical significance of this variant remains unclear.

Fulgent Genetics
Classification: Uncertain significance for Hirschsprung disease, susceptibility to, 1; Familial medullary thyroid carcinoma; Multiple endocrine neoplasia type 2B; Pheochromocytoma; Multiple endocrine neoplasia type 2A. Last evaluated: 2024-04-25. Review status: criteria provided, single submitter. Criteria: ACMG Guidelines, 2015. Collection method: clinical testing. Allele origin: germline.

NM_020975.6(RET):c.592C>T (p.Pro198Ser)

Gene: RET (ret proto-oncogene; plus strand). Cytogenetic location: 10q11.21.
Variant type: single nucleotide variant.
Coding change: c.592C>T on transcript NM_020975.6 (MANE Select); coding-DNA position 592, C replaced by T.
Protein change: p.Pro198Ser; replaces proline 198 with serine.
Molecular consequence: missense variant.
Genome position (GRCh38, 1-based): chr10:43,102,596, C>T. VCF-style: chr10-43102596-C-T. GRCh37 (hg19) VCF-style: chr10-43598044-C-T.
Other names: c.592C>T, p.Pro198Ser (NM_000323.2, NM_001406743.1, NM_001406744.1 and 16 more transcripts); c.463C>T, p.Pro155Ser (NM_001406761.1, NM_001406762.1, NM_001406764.1 and 4 more transcripts); short protein forms P198S, P155S.
Identifiers: ClinVar variation 1481718 (VCV001481718.12), dbSNP rs76736111, ClinGen allele CA376543603.
Genomic context (GRCh38, chr10:43,102,596, plus strand): 5'-GAGAACCGACCCCCAGGCACCTTCCACCAGTTCCGCCTGCTGCCTGTGCAGTTCTTGTGC[C>T]CCAACATCAGCGTGGCCTACAGGCTCCTGGAGGGTGAGTGCCGACCTTGTGGGGCCGCCC-3'
Protein context (NP_066124.1, residues 188-208): FRLLPVQFLC[Pro198Ser]NISVAYRLLE